The following is an entry in ClinVar:

ClinVar aggregate classification (germline): Uncertain significance (1 of 4 stars; one submission).

gnomAD v4.1: 2 of 1,613,368 alleles (0.00012%); highest among the groups gnomAD compares: Non-Finnish European, 0.00017%; no homozygotes.

Submission:

Labcorp Genetics (formerly Invitae), Labcorp
Classification: Uncertain significance. Last evaluated: 2025-04-03. Review status: criteria provided, single submitter. Criteria: Invitae Variant Classification Sherloc (09022015). Collection method: clinical testing. Allele origin: germline.
Comment: This sequence change replaces phenylalanine, which is neutral and non-polar, with leucine, which is neutral and non-polar, at codon 668 of the AGAP1 protein (p.Phe668Leu). This variant is not present in population databases (gnomAD no frequency). This variant has not been reported in the literature in individuals affected with AGAP1-related conditions. An algorithm developed to predict the effect of missense changes on protein structure and function (PolyPhen-2) suggests that this variant is likely to be disruptive. In summary, the available evidence is currently insufficient to determine the role of this variant in disease. Therefore, it has been classified as a Variant of Uncertain Significance.

NM_001037131.3(AGAP1):c.2163C>A (p.Phe721Leu)

Gene: AGAP1 (ArfGAP with GTPase domain, ankyrin repeat and PH domain 1; plus strand). Cytogenetic location: 2q37.2.
Variant type: single nucleotide variant.
Coding change: c.2163C>A on transcript NM_001037131.3 (MANE Select); coding-DNA position 2163, C replaced by A.
Protein change: p.Phe721Leu; replaces phenylalanine 721 with leucine.
Molecular consequence: missense variant.
Genome position (GRCh38, 1-based): chr2:236,120,240, C>A. VCF-style: chr2-236120240-C-A. GRCh37 (hg19) VCF-style: chr2-237028884-C-A.
Other names: c.2958C>A, p.Phe986Leu (NM_001436125.1); c.2799C>A, p.Phe933Leu (NM_001436126.1); c.2004C>A, p.Phe668Leu (NM_014914.5); short protein forms F668L, F986L, F933L, F721L.
Identifiers: ClinVar variation 4772928 (VCV004772928.1).
Genomic context (GRCh38, chr2:236,120,240, plus strand): 5'-GGCTCTTTGCAGGGAAGAGAAGGAACGGTGGATCCGTGCCAAGTACGAGCAGAAGCTCTT[C>A]CTGGCCCCGCTGCCCTGCACGGAGCTGTCCCTGGGCCAGCACCTGCTGCGGGCCACCGCC-3'
Protein context (NP_001032208.1, residues 711-731): WIRAKYEQKL[Phe721Leu]LAPLPCTELS